The following is an entry in ClinVar:

NM_000400.4(ERCC2):c.928C>G (p.Leu310Val)

Gene: ERCC2 (ERCC excision repair 2, TFIIH core complex helicase subunit; minus strand). Cytogenetic location: 19q13.32.
Variant type: single nucleotide variant.
Coding change: c.928C>G on transcript NM_000400.4 (MANE Select); coding-DNA position 928, C replaced by G.
Protein change: p.Leu310Val; replaces leucine 310 with valine.
Molecular consequence: missense variant.
Genome position (GRCh38, 1-based): chr19:45,364,007, G>C on the plus strand (C>G on the coding strand, the complement: ERCC2 is on the minus strand). VCF-style: chr19-45364007-G-C. GRCh37 (hg19) VCF-style: chr19-45867265-G-C.
Other names: c.856C>G, p.Leu286Val (NM_001130867.2); short protein forms L286V, L310V.
Identifiers: ClinVar variation 3231720 (VCV003231720.1), dbSNP rs1166266405, ClinGen allele CA406373347.

ClinVar aggregate classification (germline): Uncertain significance (1 of 4 stars; one submission).

Conditions:
Inborn genetic diseases. Identifiers: MedGen C0950123, MeSH D030342.

gnomAD v4.1: 2 of 1,546,576 alleles (0.00013%); highest among the groups gnomAD compares: Non-Finnish European, 0.00017%; no homozygotes.

Submission:

Ambry Genetics
Classification: Uncertain significance for Inborn genetic diseases. Last evaluated: 2023-03-05. Review status: criteria provided, single submitter. Criteria: Ambry Variant Classification Scheme 2023. Collection method: clinical testing. Allele origin: germline.
Comment: The p.L310V variant (also known as c.928C>G), located in coding exon 10 of the ERCC2 gene, results from a C to G substitution at nucleotide position 928. The leucine at codon 310 is replaced by valine, an amino acid with highly similar properties. This amino acid position is conserved. In addition, the in silico prediction for this alteration is inconclusive. Since supporting evidence is limited at this time, the clinical significance of this alteration remains unclear.